The following is an entry in ClinVar:

NM_144686.4(TMC4):c.284G>C (p.Arg95Pro)

Gene: TMC4 (transmembrane channel like 4; minus strand). Cytogenetic location: 19q13.42.
Variant type: single nucleotide variant.
Coding change: c.284G>C on transcript NM_144686.4 (MANE Select); coding-DNA position 284, G replaced by C.
Protein change: p.Arg95Pro; replaces arginine 95 with proline.
Molecular consequence: missense variant.
Genome position (GRCh38, 1-based): chr19:54,171,879, C>G on the plus strand (G>C on the coding strand, the complement: TMC4 is on the minus strand). VCF-style: chr19-54171879-C-G. GRCh37 (hg19) VCF-style: chr19-54675648-C-G.
Other names: c.302G>C, p.Arg101Pro (NM_001145303.3); short protein forms R101P, R95P.
Identifiers: ClinVar variation 2650422 (VCV002650422.24), dbSNP rs760679108, ClinGen allele CA407789861.

ClinVar aggregate classification (germline): Uncertain significance (1 of 4 stars; one submission).

Submission:

CeGaT Center for Human Genetics Tuebingen
Classification: Uncertain significance. Last evaluated: 2022-05-01. Review status: criteria provided, single submitter. Criteria: CeGaT Center For Human Genetics Tuebingen Variant Classification Criteria Version 2. Collection method: clinical testing. Allele origin: germline. Affected: yes. Observed: 1 variant allele.
Comment: TMC4: PM2